The following is an entry in ClinVar:

NM_006393.3(NEBL):c.1063G>T (p.Val355Phe)

Gene: NEBL (nebulette; minus strand). Cytogenetic location: 10p12.31.
Variant type: single nucleotide variant.
Coding change: c.1063G>T on transcript NM_006393.3 (MANE Select); coding-DNA position 1063, G replaced by T.
Protein change: p.Val355Phe; replaces valine 355 with phenylalanine.
Molecular consequence: missense variant. On other transcripts: intron variant (9).
Genome position (GRCh38, 1-based): chr10:20,850,448, C>A on the plus strand (G>T on the coding strand, the complement: NEBL is on the minus strand). VCF-style: chr10-20850448-C-A. GRCh37 (hg19) VCF-style: chr10-21139377-C-A.
Other names: c.250-37508G>T (NM_001377326.1, NM_001377327.1, NM_001377328.1); c.358-37508G>T (NM_213569.2, NM_001173484.2, NM_001377322.1); c.301-37508G>T (NM_001377324.1); c.292-37508G>T (NM_001377325.1); c.310-37508G>T (NM_001377323.1); short protein forms V355F.
Identifiers: ClinVar variation 3645403 (VCV003645403.2).

ClinVar aggregate classification (germline): Uncertain significance (1 of 4 stars; one submission).

Conditions:
Primary dilated cardiomyopathy (DCM). Also called: Dilated Cardiomyopathy. Identifiers: Orphanet 217604, MedGen C0007193, MeSH D002311, MONDO:0005021, HP:0001644. Inheritance: Various modes of inheritance.

gnomAD v4.1: 7 of 1,612,526 alleles (0.00043%); highest among the groups gnomAD compares: South Asian, 0.0077%; 1 homozygote.

Submission:

Labcorp Genetics (formerly Invitae), Labcorp
Classification: Uncertain significance for Primary dilated cardiomyopathy. Last evaluated: 2024-03-11. Review status: criteria provided, single submitter. Criteria: Invitae Variant Classification Sherloc (09022015). Collection method: clinical testing. Allele origin: germline.
Comment: This sequence change replaces valine, which is neutral and non-polar, with phenylalanine, which is neutral and non-polar, at codon 355 of the NEBL protein (p.Val355Phe). This variant is present in population databases (rs775390576, gnomAD 0.003%). This variant has not been reported in the literature in individuals affected with NEBL-related conditions. An algorithm developed to predict the effect of missense changes on protein structure and function (PolyPhen-2) suggests that this variant is likely to be disruptive. In summary, the available evidence is currently insufficient to determine the role of this variant in disease. Therefore, it has been classified as a Variant of Uncertain Significance.